The following is an entry in ClinVar:

NM_001368397.1(FRMPD4):c.2188G>T (p.Gly730Trp)

Gene: FRMPD4 (FERM and PDZ domain containing 4; plus strand). Cytogenetic location: Xp22.2.
Variant type: single nucleotide variant.
Coding change: c.2188G>T on transcript NM_001368397.1 (MANE Select); coding-DNA position 2188, G replaced by T.
Protein change: p.Gly730Trp; replaces glycine 730 with tryptophan.
Molecular consequence: missense variant.
Genome position (GRCh38, 1-based): chrX:12,716,647, G>T. VCF-style: chrX-12716647-G-T. GRCh37 (hg19) VCF-style: chrX-12734766-G-T.
Other names: c.2299G>T, p.Gly767Trp (NM_001368395.3, NM_001368398.3); c.2194G>T, p.Gly732Trp (NM_001368396.3); c.2179G>T, p.Gly727Trp (NM_001368399.3); c.2068G>T, p.Gly690Trp (NM_001368400.3); c.2164G>T, p.Gly722Trp (NM_001368401.1, NM_001368402.3); c.2188G>T, p.Gly730Trp (NM_014728.3); short protein forms G690W, G722W, G727W, G730W, G732W, G767W.
Identifiers: ClinVar variation 4755731 (VCV004755731.1).

ClinVar aggregate classification (germline): Uncertain significance (1 of 4 stars; one submission).

Submission:

GeneDx
Classification: Uncertain significance. Last evaluated: 2025-08-05. Review status: criteria provided, single submitter. Criteria: GeneDx Variant Classification Process June 2021. Collection method: clinical testing. Allele origin: germline. Affected: yes.
Comment: Not observed at significant frequency in large population cohorts (gnomAD); In silico analysis supports that this missense variant has a deleterious effect on protein structure/function; Has not been previously published as pathogenic or benign to our knowledge